The following is an entry in ClinVar:

ClinVar aggregate classification (germline): Uncertain significance (1 of 4 stars; one submission).

gnomAD v4.1: 2 of 1,612,958 alleles (0.00012%); highest among the groups gnomAD compares: Non-Finnish European, 0.00017%; no homozygotes.

Submission:

Labcorp Genetics (formerly Invitae), Labcorp
Classification: Uncertain significance. Last evaluated: 2024-09-23. Review status: criteria provided, single submitter. Criteria: Invitae Variant Classification Sherloc (09022015). Collection method: clinical testing. Allele origin: germline.
Comment: This sequence change replaces serine, which is neutral and polar, with asparagine, which is neutral and polar, at codon 1684 of the ADGRV1 protein (p.Ser1684Asn). This variant is not present in population databases (gnomAD no frequency). This variant has not been reported in the literature in individuals affected with ADGRV1-related conditions. ClinVar contains an entry for this variant (Variation ID: 1404516). Invitae Evidence Modeling of protein sequence and biophysical properties (such as structural, functional, and spatial information, amino acid conservation, physicochemical variation, residue mobility, and thermodynamic stability) indicates that this missense variant is not expected to disrupt ADGRV1 protein function with a negative predictive value of 95%. In summary, the available evidence is currently insufficient to determine the role of this variant in disease. Therefore, it has been classified as a Variant of Uncertain Significance.

NM_032119.4(ADGRV1):c.5051G>A (p.Ser1684Asn)

Gene: ADGRV1 (adhesion G protein-coupled receptor V1; plus strand). Cytogenetic location: 5q14.3.
Variant type: single nucleotide variant.
Coding change: c.5051G>A on transcript NM_032119.4 (MANE Select); coding-DNA position 5051, G replaced by A.
Protein change: p.Ser1684Asn; replaces serine 1684 with asparagine.
Molecular consequence: missense variant. On other transcripts: non-coding transcript variant (1).
Genome position (GRCh38, 1-based): chr5:90,674,175, G>A. VCF-style: chr5-90674175-G-A. GRCh37 (hg19) VCF-style: chr5-89969992-G-A.
Other names: short protein forms S1684N.
Identifiers: ClinVar variation 1404516 (VCV001404516.8), dbSNP rs2149545367, ClinGen allele CA360408165.